The following is an entry in ClinVar:

NM_002864.3(PZP):c.3435C>T (p.Thr1145=)

Genes: KLRG1 (killer cell lectin like receptor G1; plus strand), PZP (PZP alpha-2-macroglobulin like; minus strand). Cytogenetic location: 12p13.31.
Variant type: single nucleotide variant.
Coding change: c.3435C>T on transcript NM_002864.3 (MANE Select); coding-DNA position 3435, C replaced by T.
Protein change: p.Thr1145=; no amino-acid change (threonine 1145 retained).
Molecular consequence: synonymous variant.
Genome position (GRCh38, 1-based): chr12:9,157,290, G>A on the plus strand (C>T on the coding strand, the complement: PZP is on the minus strand). VCF-style: chr12-9157290-G-A. GRCh37 (hg19) VCF-style: chr12-9309886-G-A.
Identifiers: ClinVar variation 2642692 (VCV002642692.24), dbSNP rs35095552, ClinGen allele CA6439463.

ClinVar aggregate classification (germline): Likely benign (1 of 4 stars; one submission).

Allele frequency attached by ClinVar (database versions not stated): 1000 Genomes Project 0.00140; 1000 Genomes Project 30x 0.00141; ExAC 0.00263; gnomAD 0.00277; ESP Exome Variant Server 0.00292; TOPMed 0.00329; gnomAD exomes 0.00432.
gnomAD v4.1: 6,722 of 1,614,060 alleles (0.42%); highest among the groups gnomAD compares: Non-Finnish European, 0.51%; 26 homozygotes.

Submission:

CeGaT Center for Human Genetics Tuebingen
Classification: Likely benign. Last evaluated: 2022-05-01. Review status: criteria provided, single submitter. Criteria: CeGaT Center For Human Genetics Tuebingen Variant Classification Criteria Version 2. Collection method: clinical testing. Allele origin: germline. Affected: yes. Observed: 1 variant allele.
Comment: PZP: BP4, BP7